The following is an entry in ClinVar:

ClinVar aggregate classification (germline): Uncertain significance (1 of 4 stars; one submission).

Conditions:
Pyogenic arthritis-pyoderma gangrenosum-acne syndrome (PAPA). Also called: PAPA SYNDROME; FAMILIAL RECURRENT ARTHRITIS. Identifiers: Orphanet 69126, MedGen C1858361, MONDO:0011462, OMIM 604416.

Submission:

Labcorp Genetics (formerly Invitae), Labcorp
Classification: Uncertain significance for Pyogenic arthritis-pyoderma gangrenosum-acne syndrome. Last evaluated: 2020-10-07. Review status: criteria provided, single submitter. Criteria: Invitae Variant Classification Sherloc (09022015). Collection method: clinical testing. Allele origin: germline.
Comment: This variant has not been reported in the literature in individuals with PSTPIP1-related conditions. In summary, the available evidence is currently insufficient to determine the role of this variant in disease. Therefore, it has been classified as a Variant of Uncertain Significance. Algorithms developed to predict the effect of missense changes on protein structure and function are either unavailable or do not agree on the potential impact of this missense change (SIFT: "Tolerated"; PolyPhen-2: "Possibly Damaging"; Align-GVGD: "Class C0"). This variant is not present in population databases (ExAC no frequency). This sequence change replaces arginine with glycine at codon 401 of the PSTPIP1 protein (p.Arg401Gly). The arginine residue is moderately conserved and there is a moderate physicochemical difference between arginine and glycine.

NM_003978.5(PSTPIP1):c.1201A>G (p.Arg401Gly)

Gene: PSTPIP1 (proline-serine-threonine phosphatase interacting protein 1; plus strand). Cytogenetic location: 15q24.3.
Variant type: single nucleotide variant.
Coding change: c.1201A>G on transcript NM_003978.5 (MANE Select); coding-DNA position 1201, A replaced by G.
Protein change: p.Arg401Gly; replaces arginine 401 with glycine.
Molecular consequence: missense variant. On other transcripts: non-coding transcript variant (1).
Genome position (GRCh38, 1-based): chr15:77,037,126, A>G. VCF-style: chr15-77037126-A-G. GRCh37 (hg19) VCF-style: chr15-77329467-A-G.
Other names: c.1144A>G, p.Arg382Gly (NM_001321135.2); c.1174A>G, p.Arg392Gly (NM_001321136.2); c.1396A>G, p.Arg466Gly (NM_001321137.1); short protein forms R382G, R392G, R401G, R466G.
Identifiers: ClinVar variation 1036022 (VCV001036022.8), dbSNP rs2076599290, ClinGen allele CA393522092.
Genomic context (GRCh38, chr15:77,037,126, plus strand): 5'-TCCGCGGGAGACATCCTGGAGGTGATCCTGGAAGGGGAGGATGGCTGGTGGACTGTGGAG[A>G]GGAACGGGCAGCGTGGCTTCGTCCCTGGTTCCTACCTGGAGAAGCTTTGAGGAAGGGCCA-3'
Protein context (NP_003969.2, residues 391-411): EGEDGWWTVE[Arg401Gly]NGQRGFVPGS